The following is an entry in ClinVar:

ClinVar aggregate classification (germline): Uncertain significance. Review status: criteria provided, multiple submitters, no conflicts (2 of 4 stars). 4 submissions from 4 submitters: Uncertain significance (4). Last evaluated 2025-12-09.

Conditions:
Familial hemiplegic migraine. Identifiers: MedGen C0338484, MONDO:0000700.
Inborn genetic diseases. Identifiers: MedGen C0950123, MeSH D030342.
Alternating hemiplegia of childhood 1 (AHC1). Identifiers: Orphanet 2131, MedGen C3549447, MONDO:0007087, OMIM 104290.
Migraine, familial hemiplegic, 2. Identifiers: Orphanet 569, MedGen C1865322, MONDO:0011232, OMIM 602481.

Allele frequency attached by ClinVar (database versions not stated): gnomAD exomes below 0.00001 and 0.00001; ExAC 0.00001; TOPMed 0.00001.
gnomAD v4.1: 5 of 1,614,190 alleles (0.00031%); highest among the groups gnomAD compares: Admixed American, 0.005%; no homozygotes.

Submissions (4):

Labcorp Genetics (formerly Invitae), Labcorp
Classification: Uncertain significance for Familial hemiplegic migraine. Last evaluated: 2025-12-09. Review status: criteria provided, single submitter. Criteria: Invitae Variant Classification Sherloc (09022015). Collection method: clinical testing. Allele origin: germline.
Comment: This sequence change replaces alanine, which is neutral and non-polar, with serine, which is neutral and polar, at codon 688 of the ATP1A2 protein (p.Ala688Ser). This variant is present in population databases (rs200425518, gnomAD 0.006%). This variant has not been reported in the literature in individuals affected with ATP1A2-related conditions. ClinVar contains an entry for this variant (Variation ID: 575386). Invitae Evidence Modeling of protein sequence and biophysical properties (such as structural, functional, and spatial information, amino acid conservation, physicochemical variation, residue mobility, and thermodynamic stability) indicates that this missense variant is not expected to disrupt ATP1A2 protein function with a negative predictive value of 80%. In summary, the available evidence is currently insufficient to determine the role of this variant in disease. Therefore, it has been classified as a Variant of Uncertain Significance.

GeneDx
Classification: Uncertain significance. Last evaluated: 2025-07-22. Review status: criteria provided, single submitter. Criteria: GeneDx Variant Classification Process June 2021. Collection method: clinical testing. Allele origin: germline. Affected: yes.
Comment: In silico analysis suggests that this missense variant does not alter protein structure/function; Has not been previously published as pathogenic or benign to our knowledge; This variant is associated with the following publications: (PMID: 18184292)

Ambry Genetics
Classification: Uncertain significance for Inborn genetic diseases. Last evaluated: 2025-06-12. Review status: criteria provided, single submitter. Criteria: Ambry Variant Classification Scheme 2023. Collection method: clinical testing. Allele origin: germline.

Fulgent Genetics
Classification: Uncertain significance for Alternating hemiplegia of childhood 1; Migraine, familial hemiplegic, 2. Last evaluated: 2018-10-31. Review status: criteria provided, single submitter. Criteria: ACMG Guidelines, 2015. Collection method: clinical testing. Allele origin: unknown.

NM_000702.4(ATP1A2):c.2062G>T (p.Ala688Ser)

Gene: ATP1A2 (ATPase Na+/K+ transporting subunit alpha 2; plus strand). Cytogenetic location: 1q23.2.
Variant type: single nucleotide variant.
Coding change: c.2062G>T on transcript NM_000702.4 (MANE Select); coding-DNA position 2062, G replaced by T.
Protein change: p.Ala688Ser; replaces alanine 688 with serine.
Molecular consequence: missense variant.
Genome position (GRCh38, 1-based): chr1:160,135,242, G>T. VCF-style: chr1-160135242-G-T. GRCh37 (hg19) VCF-style: chr1-160105032-G-T.
Other names: short protein forms A688S.
Identifiers: ClinVar variation 575386 (VCV000575386.14), dbSNP rs200425518, ClinGen allele CA1194651.